The following is an entry in ClinVar:

ClinVar aggregate classification (germline): Uncertain significance (1 of 4 stars; one submission).

Conditions:
Inborn genetic diseases. Identifiers: MedGen C0950123, MeSH D030342.

Allele frequency attached by ClinVar (database versions not stated): gnomAD exomes below 0.00001.

Submission:

Ambry Genetics
Classification: Uncertain significance for Inborn genetic diseases. Last evaluated: 2021-11-14. Review status: criteria provided, single submitter. Criteria: Ambry Variant Classification Scheme 2023. Collection method: clinical testing. Allele origin: germline.
Comment: The p.P868L variant (also known as c.2603C>T), located in coding exon 13 of the F5 gene, results from a C to T substitution at nucleotide position 2603. The proline at codon 868 is replaced by leucine, an amino acid with similar properties. This amino acid position is conserved. In addition, this alteration is predicted to be tolerated by in silico analysis. Since supporting evidence is limited at this time, the clinical significance of this alteration remains unclear.

NM_000130.5(F5):c.2603C>T (p.Pro868Leu)

Gene: F5 (coagulation factor V; minus strand). Cytogenetic location: 1q24.2.
Variant type: single nucleotide variant.
Coding change: c.2603C>T on transcript NM_000130.5 (MANE Select); coding-DNA position 2603, C replaced by T.
Protein change: p.Pro868Leu; replaces proline 868 with leucine.
Molecular consequence: missense variant.
Genome position (GRCh38, 1-based): chr1:169,542,487, G>A on the plus strand (C>T on the coding strand, the complement: F5 is on the minus strand). VCF-style: chr1-169542487-G-A. GRCh37 (hg19) VCF-style: chr1-169511725-G-A.
Other names: short protein forms P868L.
Identifiers: ClinVar variation 1793703 (VCV001793703.2), dbSNP rs1041753299, ClinGen allele CA343120508.